The following is an entry in ClinVar:

ClinVar aggregate classification (germline): Likely benign. Review status: criteria provided, multiple submitters, no conflicts (2 of 4 stars). 2 submissions from 2 submitters: Likely benign (2). Last evaluated 2025-11-24.

Conditions:
Juvenile polyposis syndrome (JPS). Identifiers: Orphanet 2929, MedGen C0345893, MONDO:0017380, OMIM 174900.

Submissions (2):

Labcorp Genetics (formerly Invitae), Labcorp
Classification: Likely benign for Juvenile polyposis syndrome. Last evaluated: 2025-11-24. Review status: criteria provided, single submitter. Criteria: Invitae Variant Classification Sherloc (09022015). Collection method: clinical testing. Allele origin: germline.

Myriad Genetics, Inc.
Classification: Likely benign for Juvenile polyposis syndrome. Last evaluated: 2024-07-31. Review status: criteria provided, single submitter. Criteria: Myriad Autosomal Dominant, Autosomal Recessive and X-Linked Classification Criteria (2023). Collection method: clinical testing. Allele origin: unknown.
Comment: This variant is considered likely benign. This variant is intronic and is not expected to impact mRNA splicing.

NM_004329.3(BMPR1A):c.231-6T>C

Gene: BMPR1A (bone morphogenetic protein receptor type 1A; plus strand). Cytogenetic location: 10q23.2.
Variant type: single nucleotide variant.
Coding change: c.231-6T>C on transcript NM_004329.3 (MANE Select); 6 bases into the intron before coding-DNA position 231, T replaced by C.
Molecular consequence: intron variant.
Genome position (GRCh38, 1-based): chr10:86,892,121, T>C. VCF-style: chr10-86892121-T-C. GRCh37 (hg19) VCF-style: chr10-88651878-T-C.
Identifiers: ClinVar variation 1347140 (VCV001347140.9), dbSNP rs1042211540, ClinGen allele CA211184133.